The following is an entry in ClinVar:

NM_006767.4(LZTR1):c.698T>G (p.Val233Gly)

Gene: LZTR1 (leucine zipper like post translational regulator 1; plus strand). Cytogenetic location: 22q11.21.
Variant type: single nucleotide variant.
Coding change: c.698T>G on transcript NM_006767.4 (MANE Select); coding-DNA position 698, T replaced by G.
Protein change: p.Val233Gly; replaces valine 233 with glycine.
Molecular consequence: missense variant.
Genome position (GRCh38, 1-based): chr22:20,990,432, T>G. VCF-style: chr22-20990432-T-G. GRCh37 (hg19) VCF-style: chr22-21344721-T-G.
Other names: short protein forms V233G.
Identifiers: ClinVar variation 1756476 (VCV001756476.2), dbSNP rs2518615734, ClinGen allele CA410780509.

ClinVar aggregate classification (germline): Uncertain significance (1 of 4 stars; one submission).

Conditions:
Cardiovascular phenotype. Identifiers: MedGen CN230736.
Hereditary cancer-predisposing syndrome. Also called: Neoplastic Syndromes, Hereditary; Tumor predisposition; Hereditary Cancer Syndrome; Hereditary neoplastic syndrome. Identifiers: Orphanet 140162, MedGen C0027672, MeSH D009386, MONDO:0015356.

Submission:

Ambry Genetics
Classification: Uncertain significance for Cardiovascular phenotype; Hereditary cancer-predisposing syndrome. Last evaluated: 2022-06-13. Review status: criteria provided, single submitter. Criteria: Ambry Variant Classification Scheme 2023. Collection method: clinical testing. Allele origin: germline.
Comment: The p.V233G variant (also known as c.698T>G), located in coding exon 8 of the LZTR1 gene, results from a T to G substitution at nucleotide position 698. The valine at codon 233 is replaced by glycine, an amino acid with dissimilar properties. This amino acid position is conserved. In addition, the in silico prediction for this alteration is inconclusive. Since supporting evidence is limited at this time, the clinical significance of this alteration remains unclear.